The following is an entry in ClinVar:

ClinVar aggregate classification (germline): Likely pathogenic (1 of 4 stars; one submission).

Conditions:
Intellectual developmental disorder, autosomal recessive 27. Also called: Mental retardation, autosomal recessive 27; Intellectual disability, autosomal recessive 27. Identifiers: Orphanet 88616, MedGen C3280538, MONDO:0013702, OMIM 614340.

Submission:

Equipe Genetique des Anomalies du Developpement, Université de Bourgogne
Classification: Likely pathogenic for Intellectual developmental disorder, autosomal recessive 27. Last evaluated: 2020-08-26. Review status: criteria provided, single submitter. Criteria: ACMG Guidelines, 2015. Collection method: clinical testing. Allele origin: maternal. Affected: yes.
Comment: This variant was observed in compound heterozygosity with variant c.597del

Literature cited by the submitters: PubMed 32499722; PubMed 32802957.

NM_001040616.3(LINS1):c.557_558del (p.Lys186fs)

Gene: LINS1 (lines homolog 1; minus strand). Cytogenetic location: 15q26.3.
Variant type: Deletion.
Coding change: c.557_558del on transcript NM_001040616.3 (MANE Select); coding-DNA positions 557 to 558, 2 bases deleted (AA; older notation c.557_558delAA).
Protein change: p.Lys186fs; shifts the reading frame from lysine 186.
Molecular consequence: frameshift variant. On other transcripts: 5 prime UTR variant (1), non-coding transcript variant (3).
Genome position (GRCh38, 1-based): chr15:100,575,060-100,575,061, TT deleted on the plus strand (AA on the coding strand, the reverse complement: LINS1 is on the minus strand); deleting any 2 consecutive bases within chr15:100,575,060-100,575,062 gives the same sequence; the c. name uses the placement nearest the transcript's 3' end. VCF-style (leftmost placement, unchanged base first): chr15-100575059-CTT-C. GRCh37 (hg19) VCF-style: chr15-101115264-CTT-C.
Other names: c.-191_-190del (NM_001352507.2); c.512_513del, p.Lys171fs (NM_001352508.2); c.557_558del (NM_001040616.2); short protein forms K171fs, K186fs.
Identifiers: ClinVar variation 982565 (VCV000982565.2), dbSNP rs747412555, ClinGen allele CA275559956.